The following is an entry in ClinVar:

ClinVar aggregate classification (germline): Benign. Review status: criteria provided, multiple submitters, no conflicts (2 of 4 stars). 4 submissions from 4 submitters: Benign (4). Last evaluated 2026-02-02.

Conditions:
Disorders of Intracellular Cobalamin Metabolism. Identifiers: MedGen CN043592.
Methylcobalamin deficiency type cblG (HMAG). Also called: HOMOCYSTINURIA-MEGALOBLASTIC ANEMIA, cblG TYPE; HOMOCYSTINURIA-MEGALOBLASTIC ANEMIA DUE TO DEFECT IN COBALAMIN METABOLISM, cblG COMPLEMENTATION TYPE; HOMOCYSTINURIA-MEGALOBLASTIC ANEMIA, cblG COMPLEMENTATION TYPE; Functional methionine synthase deficiency type cblG. Identifiers: Orphanet 2170, Orphanet 622, MedGen C1855128, MONDO:0009609, OMIM 250940.

Allele frequency attached by ClinVar (database versions not stated): gnomAD exomes 0.00191 and 0.00492; ExAC 0.00626; gnomAD 0.01910 and 0.02033; ESP Exome Variant Server 0.02061; 1000 Genomes Project 30x 0.02092; TOPMed 0.02093; 1000 Genomes Project 0.02117.
gnomAD v4.1: 5,821 of 1,614,034 alleles (0.36%); highest among the groups gnomAD compares: African/African-American, 6.6%; 198 homozygotes.

Submissions (6):

Labcorp Genetics (formerly Invitae), Labcorp
Classification: Benign for Methylcobalamin deficiency type cblG. Last evaluated: 2026-02-02. Review status: criteria provided, single submitter. Criteria: Invitae Variant Classification Sherloc (09022015). Collection method: clinical testing. Allele origin: germline.

ARUP Laboratories, Molecular Genetics and Genomics, ARUP Laboratories
Classification: Benign. Last evaluated: 2023-11-06. Review status: criteria provided, single submitter. Criteria: ARUP Molecular Germline Variant Investigation Process 2024. Collection method: clinical testing. Allele origin: germline.

Illumina Laboratory Services, Illumina
Classification: Benign for Disorders of Intracellular Cobalamin Metabolism. Last evaluated: 2018-01-13. Review status: criteria provided, single submitter. Criteria: ICSL Variant Classification Criteria 13 December 2019. Collection method: clinical testing. Allele origin: germline.
Comment: This variant was observed in the ICSL laboratory as part of a predisposition screen in an ostensibly healthy population. It had not been previously curated by ICSL or reported in the Human Gene Mutation Database (HGMD: prior to June 1st, 2018), and was therefore a candidate for classification through an automated scoring system. Utilizing variant allele frequency, disease prevalence and penetrance estimates, and inheritance mode, an automated score was calculated to assess if this variant is too frequent to cause the disease. Based on the score and internal cut-off values, a variant classified as benign is not then subjected to further curation. The score for this variant resulted in a classification of benign for this disease.

GeneDx
Classification: Benign. Last evaluated: 2015-03-03. Review status: criteria provided, single submitter. Criteria: GeneDx Variant Classification Process June 2021. Collection method: clinical testing. Allele origin: germline. Affected: yes.

Dr. Peter K. Rogan Lab, Western University
No classification provided (evidence only). Condition: Clear cell carcinoma of kidney. Review status: no classification provided. Collection method: in vitro. Allele origin: not applicable. Functional consequence: retained intron. Not counted in ClinVar's aggregate classification.

Dr. Peter K. Rogan Lab, Western University
No classification provided (evidence only). Condition: Uterine corpus endometrial carcinoma. Review status: no classification provided. Collection method: in vitro. Allele origin: not applicable. Functional consequence: retained intron. Not counted in ClinVar's aggregate classification.

NM_000254.3(MTR):c.3665A>G (p.Asn1222Ser)

Gene: MTR (5-methyltetrahydrofolate-homocysteine methyltransferase; plus strand). Cytogenetic location: 1q43.
Variant type: single nucleotide variant.
Coding change: c.3665A>G on transcript NM_000254.3 (MANE Select); coding-DNA position 3665, A replaced by G.
Protein change: p.Asn1222Ser; replaces asparagine 1222 with serine.
Molecular consequence: missense variant.
Genome position (GRCh38, 1-based): chr1:236,897,072, A>G. VCF-style: chr1-236897072-A-G. GRCh37 (hg19) VCF-style: chr1-237060372-A-G.
Other names: c.3512A>G, p.Asn1171Ser (NM_001291939.1); c.2444A>G, p.Asn815Ser (NM_001291940.2); short protein forms N1222S, N815S, N1171S.
Identifiers: ClinVar variation 296584 (VCV000296584.19), dbSNP rs61739582, ClinGen allele CA1474763.